The following is an entry in ClinVar:

NM_000400.4(ERCC2):c.2040C>T (p.Ala680=)

Gene: ERCC2 (ERCC excision repair 2, TFIIH core complex helicase subunit; minus strand). Cytogenetic location: 19q13.32.
Variant type: single nucleotide variant.
Coding change: c.2040C>T on transcript NM_000400.4 (MANE Select); coding-DNA position 2040, C replaced by T.
Protein change: p.Ala680=; no amino-acid change (alanine 680 retained).
Molecular consequence: synonymous variant.
Genome position (GRCh38, 1-based): chr19:45,352,512, G>A on the plus strand (C>T on the coding strand, the complement: ERCC2 is on the minus strand). VCF-style: chr19-45352512-G-A. GRCh37 (hg19) VCF-style: chr19-45855770-G-A.
Identifiers: ClinVar variation 1129927 (VCV001129927.35), dbSNP rs374379149, ClinGen allele CA9512932.
Genomic context (GRCh38, chr19:45,352,512, plus strand): 5'-AGCCTGGTTCTTGGAGCCTGGGATGGGAGCACAGGGGCACCCCTGAAGCTGCACCTTGTC[G>A]GCAAAGACCATGAGGCCGTAGTCCGTCTTGCCCCTGATGGCCCGACCCACACACTGGGCC-3'
Protein context (NP_000391.1, residues 670-690): GKTDYGLMVF[Ala680=]DKRFARGDKR

ClinVar aggregate classification (germline): Likely benign. Review status: criteria provided, multiple submitters, no conflicts (2 of 4 stars). 4 submissions from 4 submitters: Likely benign (4). Last evaluated 2026-01-27.

Conditions:
Inborn genetic diseases. Identifiers: MedGen C0950123, MeSH D030342.

Allele frequency attached by ClinVar (database versions not stated): gnomAD 0.00006 and 0.00009; ExAC 0.00007; gnomAD exomes 0.00007; TOPMed 0.00008; ESP Exome Variant Server 0.00015; 1000 Genomes Project 30x 0.00031; 1000 Genomes Project 0.00040.
gnomAD v4.1: 125 of 1,614,144 alleles (0.0077%); highest among the groups gnomAD compares: Middle Eastern, 0.033%; no homozygotes.

Submissions (4):

Labcorp Genetics (formerly Invitae), Labcorp
Classification: Likely benign. Last evaluated: 2026-01-27. Review status: criteria provided, single submitter. Criteria: Invitae Variant Classification Sherloc (09022015). Collection method: clinical testing. Allele origin: germline.

CeGaT Center for Human Genetics Tuebingen
Classification: Likely benign. Last evaluated: 2024-12-01. Review status: criteria provided, single submitter. Criteria: CeGaT Center For Human Genetics Tuebingen Variant Classification Criteria Version 2. Collection method: clinical testing. Allele origin: germline. Affected: yes. Observed: 2 variant alleles.
Comment: ERCC2: BP4, BP7

Blueprint Genetics
Classification: Likely benign. Last evaluated: 2024-03-19. Review status: criteria provided, single submitter. Criteria: ACMG Guidelines, 2015. Collection method: clinical testing. Allele origin: germline.

Ambry Genetics
Classification: Likely benign for Inborn genetic diseases. Last evaluated: 2022-02-26. Review status: criteria provided, single submitter. Criteria: Ambry Variant Classification Scheme 2023. Collection method: clinical testing. Allele origin: germline.